The following is an entry in ClinVar:

NM_000038.6(APC):c.7388A>G (p.Glu2463Gly)

Gene: APC (APC regulator of Wnt signaling pathway; plus strand). Cytogenetic location: 5q22.2.
Variant type: single nucleotide variant.
Coding change: c.7388A>G on transcript NM_000038.6 (MANE Select); coding-DNA position 7388, A replaced by G.
Protein change: p.Glu2463Gly; replaces glutamic acid 2463 with glycine.
Molecular consequence: missense variant. On other transcripts: non-coding transcript variant (2).
Genome position (GRCh38, 1-based): chr5:112,842,982, A>G. VCF-style: chr5-112842982-A-G. GRCh37 (hg19) VCF-style: chr5-112178679-A-G.
Other names: c.7388A>G, p.Glu2463Gly (NM_001127510.3, NM_001354895.2, NM_001407450.1); c.7334A>G, p.Glu2445Gly (NM_001127511.3); c.7442A>G, p.Glu2481Gly (NM_001354896.2, NM_001407447.1, NM_001407448.1 and 1 more transcripts); c.7418A>G, p.Glu2473Gly (NM_001354897.2); c.7313A>G, p.Glu2438Gly (NM_001354898.2); c.7304A>G, p.Glu2435Gly (NM_001354899.2); c.7265A>G, p.Glu2422Gly (NM_001354900.2); c.7211A>G, p.Glu2404Gly (NM_001354901.2, NM_001407453.1); and 11 more; short protein forms E2303G, E2334G, E2372G, E2422G, E2435G, E2456G, E2337G, E2438G.
Identifiers: ClinVar variation 3635513 (VCV003635513.2).

ClinVar aggregate classification (germline): Uncertain significance (1 of 4 stars; one submission).

Conditions:
Familial adenomatous polyposis 1 (FAP1). Also called: FAMILIAL ADENOMATOUS POLYPOSIS 1, ATTENUATED; POLYPOSIS, ADENOMATOUS INTESTINAL. Identifiers: MedGen C2713442, MONDO:0021056, OMIM 175100. Disease mechanism: loss of function.

Submission:

Labcorp Genetics (formerly Invitae), Labcorp
Classification: Uncertain significance for Familial adenomatous polyposis 1. Last evaluated: 2024-06-30. Review status: criteria provided, single submitter. Criteria: Invitae Variant Classification Sherloc (09022015). Collection method: clinical testing. Allele origin: germline.
Comment: This sequence change replaces glutamic acid, which is acidic and polar, with glycine, which is neutral and non-polar, at codon 2463 of the APC protein (p.Glu2463Gly). This variant is not present in population databases (gnomAD no frequency). This variant has not been reported in the literature in individuals affected with APC-related conditions. Advanced modeling of protein sequence and biophysical properties (such as structural, functional, and spatial information, amino acid conservation, physicochemical variation, residue mobility, and thermodynamic stability) performed at Invitae indicates that this missense variant is not expected to disrupt APC protein function with a negative predictive value of 95%. In summary, the available evidence is currently insufficient to determine the role of this variant in disease. Therefore, it has been classified as a Variant of Uncertain Significance.